The following is an entry in ClinVar:

NM_004260.4(RECQL4):c.1322C>T (p.Pro441Leu)

Gene: RECQL4 (RecQ like helicase 4; minus strand). Cytogenetic location: 8q24.3.
Variant type: single nucleotide variant.
Coding change: c.1322C>T on transcript NM_004260.4 (MANE Select); coding-DNA position 1322, C replaced by T.
Protein change: p.Pro441Leu; replaces proline 441 with leucine.
Molecular consequence: missense variant.
Genome position (GRCh38, 1-based): chr8:144,515,394, G>A on the plus strand (C>T on the coding strand, the complement: RECQL4 is on the minus strand). VCF-style: chr8-144515394-G-A. GRCh37 (hg19) VCF-style: chr8-145740778-G-A.
Other names: short protein forms P441L.
Identifiers: ClinVar variation 528937 (VCV000528937.5), dbSNP rs943887894, ClinGen allele CA187687463.

ClinVar aggregate classification (germline): Uncertain significance (1 of 4 stars; one submission).

Conditions:
Baller-Gerold syndrome (BGS). Also called: CRANIOSYNOSTOSIS WITH RADIAL DEFECTS. Identifiers: Orphanet 1225, MedGen C0265308, MONDO:0009039, OMIM 218600.

Submission:

Labcorp Genetics (formerly Invitae), Labcorp
Classification: Uncertain significance for Baller-Gerold syndrome. Last evaluated: 2021-12-05. Review status: criteria provided, single submitter. Criteria: Invitae Variant Classification Sherloc (09022015). Collection method: clinical testing. Allele origin: germline.
Comment: This sequence change replaces proline, which is neutral and non-polar, with leucine, which is neutral and non-polar, at codon 441 of the RECQL4 protein (p.Pro441Leu). This variant is not present in population databases (gnomAD no frequency). This variant has not been reported in the literature in individuals affected with RECQL4-related conditions. ClinVar contains an entry for this variant (Variation ID: 528937). In summary, the available evidence is currently insufficient to determine the role of this variant in disease. Therefore, it has been classified as a Variant of Uncertain Significance.